The following is an entry in ClinVar:

ClinVar aggregate classification (germline): Pathogenic/Likely pathogenic. Review status: criteria provided, multiple submitters, no conflicts (2 of 4 stars). 8 submissions from 8 submitters: Pathogenic (2); Likely pathogenic (5). 1 of the submissions does not count toward it. Last evaluated 2026-02-25.

Conditions:
Canavan Disease, Familial Form. Identifiers: MedGen C0751663.
Spongy degeneration of central nervous system. Also called: Canavan disease; AMINOACYLASE 2 DEFICIENCY; ACY2 DEFICIENCY; ASP DEFICIENCY; ASPA DEFICIENCY; ASPARTOACYLASE DEFICIENCY. Identifiers: Orphanet 141, MedGen C0206307, MONDO:0010079, OMIM 271900.
ASPA-related disorder. Also called: ASPA-related condition.

gnomAD v4.1: 1 of 1,596,008 alleles (0.000063%); highest among the groups gnomAD compares: Admixed American, 0.0017%; no homozygotes.

Submissions (8):

PreventionGenetics, part of Exact Sciences
Classification: Likely pathogenic for ASPA-related condition. Last evaluated: 2026-02-25. Review status: criteria provided, single submitter. Criteria: ACMG Guidelines, 2015. Collection method: clinical testing. Allele origin: germline.
Comment: The ASPA c.427A>T variant is predicted to result in the amino acid substitution p.Ile143Phe. This variant has been reported in at least two individuals from the same family with Canavan disease. In each individual, a second variant was also identified in ASPA (Zeng et al. 2006. PubMed ID: 16854607). Functional assays demonstrate this variant impacts ASPA protein function (Zano et al. 2012. PubMed ID: 22850825). This variant is reported in 0.0030% of alleles in individuals of Latino descent in gnomAD. This variant is interpreted as likely pathogenic.

Women's Health and Genetics/Laboratory Corporation of America, LabCorp
Classification: Pathogenic for Canavan Disease, Familial Form. Last evaluated: 2026-02-17. Review status: criteria provided, single submitter. Criteria: LabCorp Variant Classification Summary - May 2015. Collection method: clinical testing. Allele origin: germline.
Comment: Variant summary: ASPA c.427A>T (p.Ile143Phe) results in a non-conservative amino acid change in the encoded protein sequence. Algorithms developed to predict the effect of missense changes on protein structure and function all suggest that this variant is likely to be disruptive. The variant allele was found at a frequency of 4.2e-06 in 236296 control chromosomes. c.427A>T has been observed in two individuals affected with Canavan Disease (Zeng_2006). These data indicate that the variant may be associated with disease. A different variant affecting the same codon has been classified as likely pathogenic/pathogenic by our lab (c.428T>C, p.Ile143Thr), supporting the critical relevance of codon 143 to ASPA protein function. At least one publication reports experimental evidence evaluating an impact on protein function (Zano_2013). The most pronounced variant effect results in only residual enzyme activity. The following publications have been ascertained in the context of this evaluation (PMID: 22850825, 16854607). ClinVar contains an entry for this variant (Variation ID: 372307). Based on the evidence outlined above, the variant was classified as pathogenic.

Natera, Inc.
Classification: Likely pathogenic for Canavan Disease. Last evaluated: 2025-08-14. Review status: criteria provided, single submitter. Criteria: Natera Variant Classification Schema (03/2026). Collection method: clinical testing. Allele origin: germline.
Comment: The c.427A>T variant in ASPA is a missense variant predicted to cause substitution of isoleucine to phenylalanine at amino acid 143. This variant is rare in the general population with a frequency below the threshold expected for the associated phenotype(s). This variant has been observed in one or more individuals affected with the associated recessive disease, as either homozygous or compound heterozygous with a second variant (PMID: 16854607). Additionally, this variant has been observed to segregate in affected family members (PMID: 16854607). Functional studies show that this variant may disrupt protein function (PMID: 39618332, 22850825). A different variant at the same position has been determined to be Pathogenic or Likely Pathogenic. Computational prediction algorithms indicate this variant is likely to affect gene or protein function. Given the available evidence, this variant is classified as Likely Pathogenic.

Labcorp Genetics (formerly Invitae), Labcorp
Classification: Likely pathogenic for Spongy degeneration of central nervous system. Last evaluated: 2025-07-22. Review status: criteria provided, single submitter. Criteria: Invitae Variant Classification Sherloc (09022015). Collection method: clinical testing. Allele origin: germline.
Comment: This sequence change replaces isoleucine, which is neutral and non-polar, with phenylalanine, which is neutral and non-polar, at codon 143 of the ASPA protein (p.Ile143Phe). This variant is present in population databases (rs199565861, gnomAD 0.003%). This missense change has been observed in individual(s) with Canavan disease (PMID: 16854607). It has also been observed to segregate with disease in related individuals. ClinVar contains an entry for this variant (Variation ID: 372307). Invitae Evidence Modeling of protein sequence and biophysical properties (such as structural, functional, and spatial information, amino acid conservation, physicochemical variation, residue mobility, and thermodynamic stability) indicates that this missense variant is expected to disrupt ASPA protein function with a positive predictive value of 95%. Experimental studies have shown that this missense change affects ASPA function (PMID: 22850825). In summary, the currently available evidence indicates that the variant is pathogenic, but additional data are needed to prove that conclusively. Therefore, this variant has been classified as Likely Pathogenic.

CeGaT Center for Human Genetics Tuebingen
Classification: Likely pathogenic. Last evaluated: 2025-01-01. Review status: criteria provided, single submitter. Criteria: CeGaT Center For Human Genetics Tuebingen Variant Classification Criteria Version 2. Collection method: clinical testing. Allele origin: germline. Affected: yes. Observed: 1 variant allele.
Comment: ASPA: PM2, PM3, PM5, PS3:Supporting

Genome-Nilou Lab
Classification: Likely pathogenic for Spongy degeneration of central nervous system. Last evaluated: 2021-11-07. Review status: criteria provided, single submitter. Criteria: ACMG Guidelines, 2015. Collection method: clinical testing. Allele origin: germline. Affected: no.

GeneDx
Classification: Pathogenic. Last evaluated: 2015-07-14. Review status: criteria provided, single submitter. Criteria: GeneDx Variant Classification (06012015). Collection method: clinical testing. Allele origin: germline. Affected: yes.
Comment: The I143F variant has been reported previously in association with Canavan disease (Zeng et al., 2006). Functional analysis of the I143F variant found that it is associated with 1% residual aspartoacylase activity (Zano et al., 2013). Therefore we interpret this variant to be pathogenic.

Counsyl
Classification: Uncertain significance for Spongy degeneration of central nervous system. Last evaluated: 2017-12-05. Review status: no assertion criteria provided. Collection method: clinical testing. Allele origin: unknown. Not counted in ClinVar's aggregate classification.

Literature cited by the submitters: PubMed 22850825 (cited by 4 submitters); PubMed 16854607 (cited by 4 submitters); PubMed 39618332 (cited by Natera, Inc.).

NM_000049.4(ASPA):c.427A>T (p.Ile143Phe)

Genes: SPATA22 (spermatogenesis associated 22; minus strand), ASPA (aspartoacylase; plus strand). Cytogenetic location: 17p13.2.
Variant type: single nucleotide variant.
Coding change: c.427A>T on transcript NM_000049.4 (MANE Select); coding-DNA position 427, A replaced by T.
Protein change: p.Ile143Phe; replaces isoleucine 143 with phenylalanine.
Molecular consequence: missense variant. On other transcripts: intron variant (2).
Genome position (GRCh38, 1-based): chr17:3,481,793, A>T. VCF-style: chr17-3481793-A-T. GRCh37 (hg19) VCF-style: chr17-3385087-A-T.
Other names: c.427A>T, p.Ile143Phe (NM_001128085.1); c.-73-12395T>A (NM_001321336.2, NM_001321337.2); short protein forms I143F.
Identifiers: ClinVar variation 372307 (VCV000372307.29), dbSNP rs199565861, ClinGen allele CA8288916.
Genomic context (GRCh38, chr17:3,481,793, plus strand): 5'-GGGTGCACTCTTATTCTTGAGGATTCCAGGAATAACTTTTTAATTCAGATGTTTCATTAC[A>T]TTAAGGTAATGTTAATGTTATTAATTTATAAGTTAGCAAAGGACTTGTACTTTTAAGTCA-3'
Protein context (NP_000040.1, residues 133-153): NNFLIQMFHY[Ile143Phe]KTSLAPLPCY